The following is an entry in ClinVar:

NM_001999.4(FBN2):c.4231G>C (p.Glu1411Gln)

Gene: FBN2 (fibrillin 2; minus strand). Cytogenetic location: 5q23.3.
Variant type: single nucleotide variant.
Coding change: c.4231G>C on transcript NM_001999.4 (MANE Select); coding-DNA position 4231, G replaced by C.
Protein change: p.Glu1411Gln; replaces glutamic acid 1411 with glutamine.
Molecular consequence: missense variant.
Genome position (GRCh38, 1-based): chr5:128,330,687, C>G on the plus strand (G>C on the coding strand, the complement: FBN2 is on the minus strand). VCF-style: chr5-128330687-C-G. GRCh37 (hg19) VCF-style: chr5-127666379-C-G.
Other names: short protein forms E1411Q.
Identifiers: ClinVar variation 4745113 (VCV004745113.1).

ClinVar aggregate classification (germline): Uncertain significance (1 of 4 stars; one submission).

Conditions:
Congenital contractural arachnodactyly (CCA). Also called: BEALS SYNDROME; Arthrogryposis, distal, type 9; Beals-Hecht syndrome. Identifiers: Orphanet 115, MedGen C0220668, MONDO:0007363, OMIM 121050.

Submission:

Labcorp Genetics (formerly Invitae), Labcorp
Classification: Uncertain significance for Congenital contractural arachnodactyly. Last evaluated: 2025-10-25. Review status: criteria provided, single submitter. Criteria: Invitae Variant Classification Sherloc (09022015). Collection method: clinical testing. Allele origin: germline.
Comment: This sequence change replaces glutamic acid, which is acidic and polar, with glutamine, which is neutral and polar, at codon 1411 of the FBN2 protein (p.Glu1411Gln). This variant is not present in population databases (gnomAD no frequency). This variant has not been reported in the literature in individuals affected with FBN2-related conditions. Invitae Evidence Modeling of protein sequence and biophysical properties (such as structural, functional, and spatial information, amino acid conservation, physicochemical variation, residue mobility, and thermodynamic stability) indicates that this missense variant is expected to disrupt FBN2 protein function with a positive predictive value of 80%. In summary, the available evidence is currently insufficient to determine the role of this variant in disease. Therefore, it has been classified as a Variant of Uncertain Significance.